The following is an entry in ClinVar:

NM_002485.5(NBN):c.966C>G (p.Tyr322Ter)

Gene: NBN (nibrin; minus strand). Cytogenetic location: 8q21.3.
Variant type: single nucleotide variant.
Coding change: c.966C>G on transcript NM_002485.5 (MANE Select); coding-DNA position 966, C replaced by G.
Protein change: p.Tyr322Ter; replaces tyrosine 322 with a stop codon.
Molecular consequence: nonsense.
Genome position (GRCh38, 1-based): chr8:89,964,438, G>C on the plus strand (C>G on the coding strand, the complement: NBN is on the minus strand). VCF-style: chr8-89964438-G-C. GRCh37 (hg19) VCF-style: chr8-90976666-G-C.
Other names: c.720C>G, p.Tyr240Ter (NM_001024688.3); short protein forms Y240*, Y322*.
Identifiers: ClinVar variation 649280 (VCV000649280.7), dbSNP rs748453607, ClinGen allele CA371656921.

ClinVar aggregate classification (germline): Pathogenic. Review status: criteria provided, single submitter (1 of 4 stars). 2 submissions from 2 submitters: Pathogenic (1). 1 of the submissions does not count toward it. Last evaluated 2023-11-14.

Conditions:
Breast carcinoma. Also called: Carcinoma of breast. Identifiers: MedGen C0678222, MONDO:0004989, HP:0003002.
Microcephaly, normal intelligence and immunodeficiency (NBS). Also called: BERLIN BREAKAGE SYNDROME; Nijmegen breakage syndrome; Microcephaly with normal intelligence immunodeficiency and lymphoreticular malignancies; Nonsyndromal microcephaly autosomal recessive with normal intelligence; Seemanova syndrome 2; SEEMANOVA SYNDROME II. Identifiers: Orphanet 647, MedGen C0398791, MONDO:0009623, OMIM 251260.

Submissions (2):

Labcorp Genetics (formerly Invitae), Labcorp
Classification: Pathogenic for Microcephaly, normal intelligence and immunodeficiency. Last evaluated: 2023-11-14. Review status: criteria provided, single submitter. Criteria: Invitae Variant Classification Sherloc (09022015). Collection method: clinical testing. Allele origin: germline.
Comment: This sequence change creates a premature translational stop signal (p.Tyr322*) in the NBN gene. It is expected to result in an absent or disrupted protein product. Loss-of-function variants in NBN are known to be pathogenic (PMID: 9590180, 16415040). This variant is not present in population databases (gnomAD no frequency). This premature translational stop signal has been observed in individual(s) with NBN-related conditions (PMID: 30980208, 32658311). ClinVar contains an entry for this variant (Variation ID: 649280). For these reasons, this variant has been classified as Pathogenic.

Medical Genetics Laboratory, Umraniye Training and Research Hospital, University of Health Sciences
Classification: Pathogenic for Breast carcinoma. Last evaluated: 2021-08-16. Review status: no assertion criteria provided. Collection method: clinical testing. Allele origin: germline. Affected: yes. Observed: 1 variant allele, 1 heterozygote. Not counted in ClinVar's aggregate classification.
Comment: Invasive Ductal Carcinoma Estrogen Receptor: Positive Progesterone Receptor: Positive HER2 Receptor: Positive

Literature cited by the submitters: PubMed 9590180 (cited by Labcorp Genetics (formerly Invitae), Labcorp); PubMed 16415040 (cited by Labcorp Genetics (formerly Invitae), Labcorp); PubMed 30980208 (cited by Labcorp Genetics (formerly Invitae), Labcorp); PubMed 32658311 (cited by Labcorp Genetics (formerly Invitae), Labcorp).